The following is an entry in ClinVar:

NM_000321.3(RB1):c.1910A>G (p.Gln637Arg)

Gene: RB1 (RB transcriptional corepressor 1; plus strand). Cytogenetic location: 13q14.2.
Variant type: single nucleotide variant.
Coding change: c.1910A>G on transcript NM_000321.3 (MANE Select); coding-DNA position 1910, A replaced by G.
Protein change: p.Gln637Arg; replaces glutamine 637 with arginine.
Molecular consequence: missense variant.
Genome position (GRCh38, 1-based): chr13:48,456,299, A>G. VCF-style: chr13-48456299-A-G. GRCh37 (hg19) VCF-style: chr13-49030435-A-G.
Other names: c.1910A>G, p.Gln637Arg (NM_001407165.1); short protein forms Q637R.
Identifiers: ClinVar variation 4769884 (VCV004769884.1).

ClinVar aggregate classification (germline): Uncertain significance (1 of 4 stars; one submission).

Conditions:
Retinoblastoma (RB1). Also called: RETINOBLASTOMA, SOMATIC. Identifiers: Orphanet 790, MedGen C0035335, MeSH D012175, MONDO:0008380, OMIM 180200, HP:0009919. Disease mechanism: loss of function. Inheritance: Both sporadic and heritable forms are tested..

Submission:

Labcorp Genetics (formerly Invitae), Labcorp
Classification: Uncertain significance for Retinoblastoma. Last evaluated: 2025-12-10. Review status: criteria provided, single submitter. Criteria: Invitae Variant Classification Sherloc (09022015). Collection method: clinical testing. Allele origin: germline.
Comment: This sequence change replaces glutamine, which is neutral and polar, with arginine, which is basic and polar, at codon 637 of the RB1 protein (p.Gln637Arg). This variant is not present in population databases (gnomAD no frequency). This variant has not been reported in the literature in individuals affected with RB1-related conditions. Invitae Evidence Modeling of protein sequence and biophysical properties (such as structural, functional, and spatial information, amino acid conservation, physicochemical variation, residue mobility, and thermodynamic stability) indicates that this missense variant is not expected to disrupt RB1 protein function with a negative predictive value of 80%. In summary, the available evidence is currently insufficient to determine the role of this variant in disease. Therefore, it has been classified as a Variant of Uncertain Significance.